The following is an entry in ClinVar:

NM_020975.6(RET):c.2939+3G>C

Gene: RET (ret proto-oncogene; plus strand). Cytogenetic location: 10q11.21.
Variant type: single nucleotide variant.
Coding change: c.2939+3G>C on transcript NM_020975.6 (MANE Select); 3 bases into the intron after coding-DNA position 2939, G replaced by C.
Molecular consequence: intron variant.
Genome position (GRCh38, 1-based): chr10:43,123,811, G>C. VCF-style: chr10-43123811-G-C. GRCh37 (hg19) VCF-style: chr10-43619259-G-C.
Other names: c.2939+3G>C (NM_020630.7, NM_001406743.1, NM_001406744.1 and 2 more transcripts); c.2804+3G>C (NM_001406765.1, NM_001406763.1); c.2543+3G>C (NM_001406772.1, NM_001406769.1); c.2501+3G>C (NM_001406773.1, NM_001406771.1); c.2042+3G>C (NM_001406782.1, NM_001406780.1, NM_001406779.1 and 1 more transcripts); c.1907+3G>C (NM_001406787.1); c.1922+3G>C (NM_001406785.1); c.2810+3G>C (NM_001406764.1, NM_001406762.1, NM_001406761.1); and 10 more.
Identifiers: ClinVar variation 1504178 (VCV001504178.10), dbSNP rs2133007253, ClinGen allele CA2573145067.

ClinVar aggregate classification (germline): Uncertain significance. Review status: criteria provided, multiple submitters, no conflicts (2 of 4 stars). 2 submissions from 2 submitters: Uncertain significance (2). Last evaluated 2026-03-17.

Conditions:
Hereditary cancer-predisposing syndrome. Also called: Tumor predisposition; Neoplastic Syndromes, Hereditary; Hereditary Cancer Syndrome; Hereditary neoplastic syndrome. Identifiers: Orphanet 140162, MedGen C0027672, MeSH D009386, MONDO:0015356.
Multiple endocrine neoplasia, type 2 (MEN2). Identifiers: Orphanet 653, MedGen C4048306, MONDO:0019003. Disease mechanism: gain of function.

Submissions (2):

Ambry Genetics
Classification: Uncertain significance for Hereditary cancer-predisposing syndrome. Last evaluated: 2026-03-17. Review status: criteria provided, single submitter. Criteria: Ambry Variant Classification Scheme 2023. Collection method: clinical testing. Allele origin: germline.
Comment: The c.2939+3G>C intronic variant results from a G to C substitution 3 nucleotides after coding exon 17 in the RET gene. This nucleotide position is not well conserved in available vertebrate species. In silico splice site analysis for this alteration is inconclusive. Based on the available evidence, the clinical significance of this variant remains unclear.

Labcorp Genetics (formerly Invitae), Labcorp
Classification: Uncertain significance for Multiple endocrine neoplasia, type 2. Last evaluated: 2021-09-17. Review status: criteria provided, single submitter. Criteria: Invitae Variant Classification Sherloc (09022015). Collection method: clinical testing. Allele origin: germline.
Comment: In summary, the available evidence is currently insufficient to determine the role of this variant in disease. Therefore, it has been classified as a Variant of Uncertain Significance. Variants that disrupt the consensus splice site are a relatively common cause of aberrant splicing (PMID: 17576681, 9536098). Algorithms developed to predict the effect of sequence changes on RNA splicing suggest that this variant may disrupt the consensus splice site. This variant has not been reported in the literature in individuals affected with RET-related conditions. This variant is not present in population databases (ExAC no frequency). This sequence change falls in intron 17 of the RET gene. It does not directly change the encoded amino acid sequence of the RET protein. It affects a nucleotide within the consensus splice site of the intron.

Literature cited by the submitters: PubMed 17576681 (cited by Labcorp Genetics (formerly Invitae), Labcorp); PubMed 9536098 (cited by Labcorp Genetics (formerly Invitae), Labcorp).